The following is an entry in ClinVar:

NM_001277115.2(DNAH11):c.13501_13502insGGACTGCAAAATGGGTTCTGGCTGGAGTGGCTCTGCTTCTAGAAGCGTAAGGTAACACTGGCATTCCTCTAGCCTCTGCTGGAGTGCAGTGAGGATTTTCTAGCATGTTGCTGCACTGTTCCCATTCTGGACCTTCAGGCTGAAGAGCGAAGAGA (p.Lys4501delinsArgThrAlaLysTrpValLeuAlaGlyValAlaLeuLeuLeuGluAlaTer)

Genes: CDCA7L (cell division cycle associated 7 like; minus strand), DNAH11 (dynein axonemal heavy chain 11; plus strand). Cytogenetic location: 7p15.3.
Variant type: Insertion.
Coding change: c.13501_13502insGGACTGCAAAATGGGTTCTGGCTGGAGTGGCTCTGCTTCTAGAAGCGTAAGGTAACACTGGCATTCCTCTAGCCTCTGCTGGAGTGCAGTGAGGATTTTCTAGCATGTTGCTGCACTGTTCCCATTCTGGACCTTCAGGCTGAAGAGCGAAGAGA on transcript NM_001277115.2 (MANE Select); coding-DNA positions 13501 to 13502, GGACTGCAAAATGGGTTCTGGCTGGAGTGGCTCTGCTTCTAGAAGCGTAAGGTAACACTGGCATTCCTCTAGCCTCTGCTGGAGTGCAGTGAGGATTTTCTAGCATGTTGCTGCACTGTTCCCATTCTGGACCTTCAGGCTGAAGAGCGAAGAGA inserted.
Protein change: p.Lys4501delinsArgThrAlaLysTrpValLeuAlaGlyValAlaLeuLeuLeuGluAlaTer.
Molecular consequence: nonsense. On other transcripts: 3 prime UTR variant (3).
Genome position: GRCh38: chr7:21,901,204-21,901,205. GRCh37 (hg19): chr7:21,940,822-21,940,823.
Other names: c.*1118_*1147TC[2]TTCGCTCTTCAGCCTGAAGGTCCAGAATGGGAACAGTGCAGCAACATGCTAGAAAATCCTCACTGCACTCCAGCAGAGGCTAGAGGAATGCCAGTGTTACCTTACGCTTCTAGAAGCAGAGCCACTCCAGCCAGAACCCATTTTGCAGTCCTCTCTTCGCTCTTCAGCCTGAAGGTCCAGA[1] (NM_001127370.3, NM_001127371.3, NM_018719.5).
Identifiers: ClinVar variation 238901 (VCV000238901.7), dbSNP rs1554294459, ClinGen allele CA10582492.

ClinVar aggregate classification (germline): Pathogenic (1 of 4 stars; one submission).

Conditions:
Primary ciliary dyskinesia. Also called: Ciliary dyskinesia. Identifiers: Orphanet 244, MedGen C0008780, MONDO:0016575, HP:0012265.

Submission:

Labcorp Genetics (formerly Invitae), Labcorp
Classification: Pathogenic for Primary ciliary dyskinesia. Last evaluated: 2021-02-17. Review status: criteria provided, single submitter. Criteria: Invitae Variant Classification Sherloc (09022015). Collection method: clinical testing. Allele origin: germline.
Comment: This sequence change creates a premature translational stop signal (p.Lys4501Argfs*17) in the DNAH11 gene. While this is not anticipated to result in nonsense mediated decay, it is expected to disrupt the last 16 amino acid(s) of the DNAH11 protein. This variant has not been reported in the literature in individuals with DNAH11-related conditions. ClinVar contains an entry for this variant (Variation ID: 238901). This variant disrupts the C-terminus of the DNAH11 protein. Other variant(s) that disrupt this region (p.Trp4505Serfs*10) have been determined to be pathogenic (Invitae). This suggests that variants that disrupt this region of the protein are likely to be causative of disease. For these reasons, this variant has been classified as Pathogenic.